The following is an entry in ClinVar:

ClinVar aggregate classification (germline): Uncertain significance (1 of 4 stars; one submission).

gnomAD v4.1: 1 of 1,614,218 alleles (0.000062%); highest among the groups gnomAD compares: Non-Finnish European, 0.000085%; no homozygotes.

Submission:

Labcorp Genetics (formerly Invitae), Labcorp
Classification: Uncertain significance. Last evaluated: 2025-10-18. Review status: criteria provided, single submitter. Criteria: Invitae Variant Classification Sherloc (09022015). Collection method: clinical testing. Allele origin: germline.
Comment: This sequence change replaces tyrosine, which is neutral and polar, with asparagine, which is neutral and polar, at codon 416 of the SLC16A1 protein (p.Tyr416Asn). This variant is not present in population databases (gnomAD no frequency). This variant has not been reported in the literature in individuals affected with SLC16A1-related conditions. An algorithm developed to predict the effect of missense changes on protein structure and function (PolyPhen-2) suggests that this variant is likely to be disruptive. In summary, the available evidence is currently insufficient to determine the role of this variant in disease. Therefore, it has been classified as a Variant of Uncertain Significance.

NM_003051.4(SLC16A1):c.1246T>A (p.Tyr416Asn)

Gene: SLC16A1 (solute carrier family 16 member 1; minus strand). Cytogenetic location: 1p13.2.
Variant type: single nucleotide variant.
Coding change: c.1246T>A on transcript NM_003051.4 (MANE Select); coding-DNA position 1246, T replaced by A.
Protein change: p.Tyr416Asn; replaces tyrosine 416 with asparagine.
Molecular consequence: missense variant.
Genome position (GRCh38, 1-based): chr1:112,914,148, A>T on the plus strand (T>A on the coding strand, the complement: SLC16A1 is on the minus strand). VCF-style: chr1-112914148-A-T. GRCh37 (hg19) VCF-style: chr1-113456770-A-T.
Other names: c.1246T>A, p.Tyr416Asn (NM_001166496.2); short protein forms Y416N.
Identifiers: ClinVar variation 4729077 (VCV004729077.1).